The following is an entry in ClinVar:

NM_004820.5(CYP7B1):c.462G>A (p.Leu154=)

Gene: CYP7B1 (cytochrome P450 family 7 subfamily B member 1; minus strand). Cytogenetic location: 8q12.3.
Variant type: single nucleotide variant.
Coding change: c.462G>A on transcript NM_004820.5 (MANE Select); coding-DNA position 462, G replaced by A.
Protein change: p.Leu154=; no amino-acid change (leucine 154 retained).
Molecular consequence: synonymous variant.
Genome position (GRCh38, 1-based): chr8:64,616,079, C>T on the plus strand (G>A on the coding strand, the complement: CYP7B1 is on the minus strand). VCF-style: chr8-64616079-C-T. GRCh37 (hg19) VCF-style: chr8-65528636-C-T.
Other names: c.462G>A, p.Leu154= (NM_001324112.2); c.462G>A (NM_004820.4).
Identifiers: ClinVar variation 2908893 (VCV002908893.5), dbSNP rs776163341, ClinGen allele CA4764203.

ClinVar aggregate classification (germline): Likely benign. Review status: criteria provided, single submitter (1 of 4 stars). 2 submissions from 2 submitters: Likely benign (1). 1 of the submissions does not count toward it. Last evaluated 2024-10-15.

Conditions:
CYP7B1-related disorder. Also called: CYP7B1-related condition.
Spastic paraplegia. Identifiers: MedGen C0037772, HP:0001258.

Allele frequency attached by ClinVar (database versions not stated): gnomAD exomes below 0.00001; TOPMed below 0.00001; ExAC 0.00001.
gnomAD v4.1: 5 of 1,613,626 alleles (0.00031%); highest among the groups gnomAD compares: Non-Finnish European, 0.00017%; no homozygotes.

Submissions (2):

Labcorp Genetics (formerly Invitae), Labcorp
Classification: Likely benign for Spastic paraplegia. Last evaluated: 2024-10-15. Review status: criteria provided, single submitter. Criteria: Invitae Variant Classification Sherloc (09022015). Collection method: clinical testing. Allele origin: germline.

PreventionGenetics, part of Exact Sciences
Classification: Likely benign for CYP7B1-related condition. Last evaluated: 2022-08-16. Review status: no assertion criteria provided. Collection method: clinical testing. Allele origin: germline. Not counted in ClinVar's aggregate classification.
Comment: This variant is classified as likely benign based on ACMG/AMP sequence variant interpretation guidelines (Richards et al. 2015 PMID: 25741868, with internal and published modifications).